The following is an entry in ClinVar:

NM_001127178.3(PIGG):c.1511C>T (p.Ser504Leu)

Gene: PIGG (phosphatidylinositol glycan anchor biosynthesis class G (EMM blood group); plus strand). Cytogenetic location: 4p16.3.
Variant type: single nucleotide variant.
Coding change: c.1511C>T on transcript NM_001127178.3 (MANE Select); coding-DNA position 1511, C replaced by T.
Protein change: p.Ser504Leu; replaces serine 504 with leucine.
Molecular consequence: missense variant. On other transcripts: 3 prime UTR variant (2), 5 prime UTR variant (2), non-coding transcript variant (10).
Genome position (GRCh38, 1-based): chr4:521,838, C>T. VCF-style: chr4-521838-C-T. GRCh37 (hg19) VCF-style: chr4-515627-C-T.
Other names: c.1244C>T, p.Ser415Leu (NM_001289051.2, NM_001289053.2, NM_001345986.2); c.1112C>T, p.Ser371Leu (NM_001289052.2); c.*73C>T (NM_001289055.2); c.*126C>T (NM_001289057.2); c.1220C>T, p.Ser407Leu (NM_001345987.2); c.482C>T, p.Ser161Leu (NM_001345988.2); c.1511C>T, p.Ser504Leu (NM_001345989.2); c.-23C>T (NM_001345990.2, NM_001345991.2); and 2 more; short protein forms S496L, S415L, S504L, S138L, S371L, S161L, S407L.
Identifiers: ClinVar variation 639208 (VCV000639208.4), dbSNP rs770538814, ClinGen allele CA2793327.

ClinVar aggregate classification (germline): Uncertain significance (1 of 4 stars; one submission).

Conditions:
Intellectual disability, autosomal recessive 53 (NEDHSCA). Also called: NEURODEVELOPMENTAL DISORDER WITH OR WITHOUT HYPOTONIA, SEIZURES, AND CEREBELLAR ATROPHY; GLYCOSYLPHOSPHATIDYLINOSITOL BIOSYNTHESIS DEFECT 13; Mental retardation, autosomal recessive 53. Identifiers: Orphanet 488635, MedGen C4310794, MONDO:0014832, OMIM 616917.

Allele frequency attached by ClinVar (database versions not stated): gnomAD exomes below 0.00001 and 0.00001; ExAC 0.00001; gnomAD 0.00001; TOPMed 0.00002.
gnomAD v4.1: 17 of 1,614,050 alleles (0.0011%); highest among the groups gnomAD compares: African/African-American, 0.0027%; no homozygotes.

Submission:

Labcorp Genetics (formerly Invitae), Labcorp
Classification: Uncertain significance for Intellectual disability, autosomal recessive 53. Last evaluated: 2022-08-23. Review status: criteria provided, single submitter. Criteria: Invitae Variant Classification Sherloc (09022015). Collection method: clinical testing. Allele origin: germline.
Comment: This sequence change replaces serine, which is neutral and polar, with leucine, which is neutral and non-polar, at codon 504 of the PIGG protein (p.Ser504Leu). This variant is present in population databases (rs770538814, gnomAD 0.007%). This variant has not been reported in the literature in individuals affected with PIGG-related conditions. ClinVar contains an entry for this variant (Variation ID: 639208). Algorithms developed to predict the effect of missense changes on protein structure and function (SIFT, PolyPhen-2, Align-GVGD) all suggest that this variant is likely to be tolerated. In summary, the available evidence is currently insufficient to determine the role of this variant in disease. Therefore, it has been classified as a Variant of Uncertain Significance.